The following is an entry in ClinVar:

NM_005802.5(TOPORS):c.2160C>T (p.Tyr720=)

Gene: TOPORS (TOP1 binding arginine/serine rich protein, E3 ubiquitin ligase; minus strand). Cytogenetic location: 9p21.1.
Variant type: single nucleotide variant.
Coding change: c.2160C>T on transcript NM_005802.5 (MANE Select); coding-DNA position 2160, C replaced by T.
Protein change: p.Tyr720=; no amino-acid change (tyrosine 720 retained).
Molecular consequence: synonymous variant.
Genome position (GRCh38, 1-based): chr9:32,542,365, G>A on the plus strand (C>T on the coding strand, the complement: TOPORS is on the minus strand). VCF-style: chr9-32542365-G-A. GRCh37 (hg19) VCF-style: chr9-32542363-G-A.
Other names: c.1965C>T, p.Tyr655= (NM_001195622.2).
Identifiers: ClinVar variation 284409 (VCV000284409.63), dbSNP rs74328058, ClinGen allele CA5020408.

ClinVar aggregate classification (germline): Benign/Likely benign. Review status: criteria provided, multiple submitters, no conflicts (2 of 4 stars). 9 submissions from 9 submitters: Benign (5); Likely benign (2). 2 of the submissions do not count toward it. Last evaluated 2026-04-01.

Conditions:
Retinitis pigmentosa (RP). Identifiers: Orphanet 791, MedGen C0035334, MeSH D012174, MONDO:0019200, OMIM 268000. Inheritance: Autosomal dominant, autosomal recessive and X linked inheritance.
Retinitis pigmentosa 31 (RP31). Identifiers: Orphanet 791, MedGen C1835923, MONDO:0012367, OMIM 609923.

Allele frequency attached by ClinVar (database versions not stated): 1000 Genomes Project 30x 0.00156; 1000 Genomes Project 0.00180; gnomAD 0.00555 and 0.00561; TOPMed 0.00557; ExAC 0.00574; gnomAD exomes 0.00602 and 0.00810; ESP Exome Variant Server 0.00707.
gnomAD v4.1: 12,575 of 1,614,076 alleles (0.78%); highest among the groups gnomAD compares: Non-Finnish European, 0.91%; 63 homozygotes.

Submissions (9):

CeGaT Center for Human Genetics Tuebingen
Classification: Likely benign. Last evaluated: 2026-04-01. Review status: criteria provided, single submitter. Criteria: CeGaT Center For Human Genetics Tuebingen Variant Classification Criteria Version 2. Collection method: clinical testing. Allele origin: germline. Affected: yes. Observed: 9 variant alleles.
Comment: TOPORS: BP4, BP7, BS2

Labcorp Genetics (formerly Invitae), Labcorp
Classification: Benign. Last evaluated: 2026-02-01. Review status: criteria provided, single submitter. Criteria: Invitae Variant Classification Sherloc (09022015). Collection method: clinical testing. Allele origin: germline.

ARUP Laboratories, Molecular Genetics and Genomics, ARUP Laboratories
Classification: Benign for Retinitis pigmentosa 31. Last evaluated: 2021-11-30. Review status: criteria provided, single submitter. Criteria: ARUP Molecular Germline Variant Investigation Process 2021. Collection method: clinical testing. Allele origin: germline.

Fulgent Genetics
Classification: Likely benign for Retinitis pigmentosa 31. Last evaluated: 2021-11-03. Review status: criteria provided, single submitter. Criteria: ACMG Guidelines, 2015. Collection method: clinical testing. Allele origin: unknown.

Illumina Laboratory Services, Illumina
Classification: Benign for Retinitis pigmentosa. Last evaluated: 2018-01-13. Review status: criteria provided, single submitter. Criteria: ICSL Variant Classification Criteria 13 December 2019. Collection method: clinical testing. Allele origin: germline.
Comment: This variant was observed in the ICSL laboratory as part of a predisposition screen in an ostensibly healthy population. It had not been previously curated by ICSL or reported in the Human Gene Mutation Database (HGMD: prior to June 1st, 2018), and was therefore a candidate for classification through an automated scoring system. Utilizing variant allele frequency, disease prevalence and penetrance estimates, and inheritance mode, an automated score was calculated to assess if this variant is too frequent to cause the disease. Based on the score and internal cut-off values, a variant classified as benign is not then subjected to further curation. The score for this variant resulted in a classification of benign for this disease.

Eurofins Ntd Llc (ga)
Classification: Benign. Last evaluated: 2015-12-04. Review status: criteria provided, single submitter. Criteria: EGL Classification Definitions 2015. Collection method: clinical testing. Allele origin: germline. Observed: 1 variant allele, 1 heterozygote.

Breakthrough Genomics
Classification: Benign. Review status: criteria provided, single submitter. Criteria: ACMG Guidelines, 2015. Collection method: not provided. Allele origin: germline. Inheritance: Unknown mechanism. Affected: yes.

Clinical Genetics DNA and cytogenetics Diagnostics Lab, Erasmus MC, Erasmus Medical Center
Classification: Likely benign. Review status: no assertion criteria provided. Collection method: clinical testing. Allele origin: germline. Affected: yes. Study: VKGL Data-share Consensus. Not counted in ClinVar's aggregate classification.

Clinical Genetics, Academic Medical Center
Classification: Likely benign. Review status: no assertion criteria provided. Collection method: clinical testing. Allele origin: germline. Affected: yes. Study: VKGL Data-share Consensus. Not counted in ClinVar's aggregate classification.